The following is an entry in ClinVar:

NM_152713.5(STT3A):c.651C>T (p.Asn217=)

Gene: STT3A (STT3 oligosaccharyltransferase complex catalytic subunit A; plus strand). Cytogenetic location: 11q24.2.
Variant type: single nucleotide variant.
Coding change: c.651C>T on transcript NM_152713.5 (MANE Select); coding-DNA position 651, C replaced by T.
Protein change: p.Asn217=; no amino-acid change (asparagine 217 retained).
Molecular consequence: synonymous variant.
Genome position (GRCh38, 1-based): chr11:125,606,336, C>T. VCF-style: chr11-125606336-C-T. GRCh37 (hg19) VCF-style: chr11-125476231-C-T.
Other names: c.651C>T, p.Asn217= (NM_001278503.2); c.375C>T, p.Asn125= (NM_001278504.2).
Identifiers: ClinVar variation 669172 (VCV000669172.4), dbSNP rs1267924235, ClinGen allele CA477481272.

ClinVar aggregate classification (germline): Likely benign. Review status: criteria provided, multiple submitters, no conflicts (2 of 4 stars). 2 submissions from 2 submitters: Likely benign (2). Last evaluated 2023-08-07.

Allele frequency attached by ClinVar (database versions not stated): gnomAD exomes below 0.00001; gnomAD 0.00001.
gnomAD v4.1: 4 of 1,613,994 alleles (0.00025%); highest among the groups gnomAD compares: Admixed American, 0.0017%; no homozygotes.

Submissions (2):

Labcorp Genetics (formerly Invitae), Labcorp
Classification: Likely benign. Last evaluated: 2023-08-07. Review status: criteria provided, single submitter. Criteria: Invitae Variant Classification Sherloc (09022015). Collection method: clinical testing. Allele origin: germline.

GeneDx
Classification: Likely benign. Last evaluated: 2018-06-01. Review status: criteria provided, single submitter. Criteria: GeneDx Variant Classification (06012015). Collection method: clinical testing. Allele origin: germline. Affected: yes.
Comment: This variant is considered likely benign or benign based on one or more of the following criteria: it is a conservative change, it occurs at a poorly conserved position in the protein, it is predicted to be benign by multiple in silico algorithms, and/or has population frequency not consistent with disease.